The following is an entry in ClinVar:

ClinVar aggregate classification (germline): Uncertain significance. Review status: criteria provided, multiple submitters, no conflicts (2 of 4 stars). 5 submissions from 5 submitters: Uncertain significance (5). Last evaluated 2026-07-27.

Conditions:
Inborn genetic diseases. Identifiers: MedGen C0950123, MeSH D030342.
Seizures, benign familial infantile, 3 (BFIS3). Also called: Familial neonatal seizures; CONVULSIONS, BENIGN FAMILIAL INFANTILE, 3. Identifiers: Orphanet 140927, Orphanet 306, MedGen C1843140, MONDO:0011904, OMIM 607745.
Developmental and epileptic encephalopathy, 11 (DEE11). Also called: Early infantile epileptic encephalopathy 11. Identifiers: Orphanet 1934, MedGen C3150987, MONDO:0013388, OMIM 613721.

gnomAD v4.1: 2 of 1,613,948 alleles (0.00012%); highest among the groups gnomAD compares: Non-Finnish European, 0.000085%; no homozygotes.

Submissions (5):

Ambry Genetics
Classification: Uncertain significance for Inborn genetic diseases. Last evaluated: 2026-07-27. Review status: criteria provided, single submitter. Criteria: Ambry Variant Classification Scheme 2023. Collection method: clinical testing. Allele origin: germline.

Blueprint Genetics
Classification: Uncertain significance. Last evaluated: 2024-09-18. Review status: criteria provided, single submitter. Criteria: ACMG Guidelines, 2015. Collection method: clinical testing. Allele origin: germline.

Labcorp Genetics (formerly Invitae), Labcorp
Classification: Uncertain significance for Seizures, benign familial infantile, 3; Developmental and epileptic encephalopathy, 11. Last evaluated: 2024-07-18. Review status: criteria provided, single submitter. Criteria: Invitae Variant Classification Sherloc (09022015). Collection method: clinical testing. Allele origin: germline.
Comment: This sequence change replaces proline, which is neutral and non-polar, with glutamine, which is neutral and polar, at codon 8 of the SCN2A protein (p.Pro8Gln). This variant is not present in population databases (gnomAD no frequency). This variant has not been reported in the literature in individuals affected with SCN2A-related conditions. ClinVar contains an entry for this variant (Variation ID: 994753). Advanced modeling of protein sequence and biophysical properties (such as structural, functional, and spatial information, amino acid conservation, physicochemical variation, residue mobility, and thermodynamic stability) performed at Invitae indicates that this missense variant is expected to disrupt SCN2A protein function with a positive predictive value of 95%. In summary, the available evidence is currently insufficient to determine the role of this variant in disease. Therefore, it has been classified as a Variant of Uncertain Significance.

GeneDx
Classification: Uncertain significance. Last evaluated: 2022-05-31. Review status: criteria provided, single submitter. Criteria: GeneDx Variant Classification Process June 2021. Collection method: clinical testing. Allele origin: germline. Affected: yes.
Comment: Not observed at significant frequency in large population cohorts (gnomAD); In silico analysis supports that this missense variant has a deleterious effect on protein structure/function; Missense variants in this gene are often considered pathogenic (HGMD); This substitution is predicted to be within the N-terminal cytoplasmic domain; Has not been previously published as pathogenic or benign to our knowledge

Athena Diagnostics
Classification: Uncertain significance. Last evaluated: 2020-01-09. Review status: criteria provided, single submitter. Criteria: Athena Diagnostics Criteria. Collection method: clinical testing. Allele origin: unknown.

NM_001040142.2(SCN2A):c.23C>A (p.Pro8Gln)

Gene: SCN2A (sodium voltage-gated channel alpha subunit 2; plus strand). Cytogenetic location: 2q24.3.
Variant type: single nucleotide variant.
Coding change: c.23C>A on transcript NM_001040142.2 (MANE Select); coding-DNA position 23, C replaced by A.
Protein change: p.Pro8Gln; replaces proline 8 with glutamine.
Molecular consequence: missense variant.
Genome position (GRCh38, 1-based): chr2:165,295,846, C>A. VCF-style: chr2-165295846-C-A. GRCh37 (hg19) VCF-style: chr2-166152356-C-A.
Other names: c.23C>A, p.Pro8Gln (NM_001040143.2, NM_001371246.1, NM_001371247.1 and 1 more transcripts); short protein forms P8Q.
Identifiers: ClinVar variation 994753 (VCV000994753.6), dbSNP rs747139785, ClinGen allele CA349009684.